The following is an entry in ClinVar:

ClinVar aggregate classification (germline): Uncertain significance (1 of 4 stars; one submission).

Conditions:
Inborn genetic diseases. Identifiers: MedGen C0950123, MeSH D030342.

Allele frequency attached by ClinVar (database versions not stated): gnomAD exomes below 0.00001.
gnomAD v4.1: 1 of 1,614,188 alleles (0.000062%); highest among the groups gnomAD compares: Non-Finnish European, 0.000085%; no homozygotes.

Submission:

Ambry Genetics
Classification: Uncertain significance for Inborn genetic diseases. Last evaluated: 2021-11-09. Review status: criteria provided, single submitter. Criteria: Ambry Variant Classification Scheme 2023. Collection method: clinical testing. Allele origin: germline.
Comment: The p.L676F variant (also known as c.2026C>T), located in coding exon 21 of the ERCC2 gene, results from a C to T substitution at nucleotide position 2026. The leucine at codon 676 is replaced by phenylalanine, an amino acid with highly similar properties. This amino acid position is conserved. In addition, the in silico prediction for this alteration is inconclusive. Since supporting evidence is limited at this time, the clinical significance of this alteration remains unclear.

NM_000400.4(ERCC2):c.2026C>T (p.Leu676Phe)

Gene: ERCC2 (ERCC excision repair 2, TFIIH core complex helicase subunit; minus strand). Cytogenetic location: 19q13.32.
Variant type: single nucleotide variant.
Coding change: c.2026C>T on transcript NM_000400.4 (MANE Select); coding-DNA position 2026, C replaced by T.
Protein change: p.Leu676Phe; replaces leucine 676 with phenylalanine.
Molecular consequence: missense variant.
Genome position (GRCh38, 1-based): chr19:45,352,526, G>A on the plus strand (C>T on the coding strand, the complement: ERCC2 is on the minus strand). VCF-style: chr19-45352526-G-A. GRCh37 (hg19) VCF-style: chr19-45855784-G-A.
Other names: short protein forms L676F.
Identifiers: ClinVar variation 1784656 (VCV001784656.2), dbSNP rs2513999151, ClinGen allele CA406362807.
Genomic context (GRCh38, chr19:45,352,526, plus strand): 5'-AGCCTGGGATGGGAGCACAGGGGCACCCCTGAAGCTGCACCTTGTCGGCAAAGACCATGA[G>A]GCCGTAGTCCGTCTTGCCCCTGATGGCCCGACCCACACACTGGGCCGCGTGGCGCATGGC-3'
Protein context (NP_000391.1, residues 666-686): RAIRGKTDYG[Leu676Phe]MVFADKRFAR